The following is an entry in ClinVar:

ClinVar aggregate classification (germline): Benign/Likely benign. Review status: criteria provided, multiple submitters, no conflicts (2 of 4 stars). 6 submissions from 6 submitters: Benign (2); Likely benign (3). 1 of the submissions does not count toward it. Last evaluated 2025-11-01.

Conditions:
DNMT1-related disorder. Also called: DNMT1-related condition. Identifiers: MedGen CN381527.
Hereditary sensory neuropathy-deafness-dementia syndrome. Also called: Hereditary sensory neuropathy type IE; Hereditary Sensory and Autonomic Neuropathy Type 1E (HSAN1E); NEUROPATHY, HEREDITARY SENSORY, WITH HEARING LOSS AND DEMENTIA; HSN IE. Identifiers: Orphanet 456318, MedGen C3279885, MONDO:0013584, OMIM 614116.

Allele frequency attached by ClinVar (database versions not stated): gnomAD exomes 0.00006 and 0.00016; ExAC 0.00016; gnomAD 0.00049 and 0.00053; TOPMed 0.00060; ESP Exome Variant Server 0.00077; 1000 Genomes Project 30x 0.00078; 1000 Genomes Project 0.00100.
gnomAD v4.1: 156 of 1,614,082 alleles (0.0097%); highest among the groups gnomAD compares: African/African-American, 0.18%; no homozygotes.

Submissions (6):

CeGaT Center for Human Genetics Tuebingen
Classification: Likely benign. Last evaluated: 2025-11-01. Review status: criteria provided, single submitter. Criteria: CeGaT Center For Human Genetics Tuebingen Variant Classification Criteria Version 2. Collection method: clinical testing. Allele origin: germline. Affected: yes. Observed: 1 variant allele.
Comment: DNMT1: BP4, BP7

Labcorp Genetics (formerly Invitae), Labcorp
Classification: Benign for Hereditary sensory neuropathy-deafness-dementia syndrome. Last evaluated: 2025-10-24. Review status: criteria provided, single submitter. Criteria: Invitae Variant Classification Sherloc (09022015). Collection method: clinical testing. Allele origin: germline.

Blueprint Genetics
Classification: Likely benign. Last evaluated: 2023-09-19. Review status: criteria provided, single submitter. Criteria: ACMG Guidelines, 2015. Collection method: clinical testing. Allele origin: germline.

ARUP Laboratories, Molecular Genetics and Genomics, ARUP Laboratories
Classification: Likely benign. Last evaluated: 2021-03-04. Review status: criteria provided, single submitter. Criteria: ARUP Molecular Germline Variant Investigation Process 2021. Collection method: clinical testing. Allele origin: germline.

GeneDx
Classification: Benign. Last evaluated: 2020-08-18. Review status: criteria provided, single submitter. Criteria: GeneDx Variant Classification Process June 2021. Collection method: clinical testing. Allele origin: germline. Affected: yes.

PreventionGenetics, part of Exact Sciences
Classification: Likely benign for DNMT1-related condition. Last evaluated: 2019-10-04. Review status: no assertion criteria provided. Collection method: clinical testing. Allele origin: germline. Not counted in ClinVar's aggregate classification.
Comment: This variant is classified as likely benign based on ACMG/AMP sequence variant interpretation guidelines (Richards et al. 2015 PMID: 25741868, with internal and published modifications).

NM_001130823.3(DNMT1):c.3492C>T (p.Cys1164=)

Gene: DNMT1 (DNA methyltransferase 1; minus strand). Cytogenetic location: 19p13.2.
Variant type: single nucleotide variant.
Coding change: c.3492C>T on transcript NM_001130823.3 (MANE Select); coding-DNA position 3492, C replaced by T.
Protein change: p.Cys1164=; no amino-acid change (cysteine 1164 retained).
Molecular consequence: synonymous variant.
Genome position (GRCh38, 1-based): chr19:10,140,812, G>A on the plus strand (C>T on the coding strand, the complement: DNMT1 is on the minus strand). VCF-style: chr19-10140812-G-A. GRCh37 (hg19) VCF-style: chr19-10251488-G-A.
Other names: c.3444C>T, p.Cys1148= (NM_001318730.2, NM_001379.4); c.3129C>T, p.Cys1043= (NM_001318731.2); c.3492C>T (NM_001130823.2, LRG_362t1).
Identifiers: ClinVar variation 472271 (VCV000472271.29), dbSNP rs140951214, ClinGen allele CA9187741.